The following is an entry in ClinVar:

ClinVar aggregate classification (germline): Uncertain significance (1 of 4 stars; one submission).

Conditions:
Familial hypobetalipoproteinemia 1. Also called: Hypobetalipoproteinemia, normotriglyceridemic; Acanthocytosis with hypobetalipoproteinemia; APOB-Related Familial Hypobetalipoproteinemia. Identifiers: MedGen C4551990, MONDO:0014252, OMIM 615558.
Hypercholesterolemia, autosomal dominant, type B (FHCL2). Also called: Familial Hypercholesterolemia Type B; APOLIPOPROTEIN B-100, FAMILIAL DEFECTIVE; APOLIPOPROTEIN B-100, FAMILIAL LIGAND-DEFECTIVE; HYPERCHOLESTEROLEMIA, FAMILIAL, DUE TO LIGAND-DEFECTIVE APOLIPOPROTEIN B; APOB-Related Familial Hypercholesterolemia, Autosomal Dominant; Hyperlipoproteinemia Type IIb. Identifiers: MedGen C1704417, MONDO:0007751, OMIM 144010.

Submission:

Labcorp Genetics (formerly Invitae), Labcorp
Classification: Uncertain significance for Familial hypobetalipoproteinemia 1; Hypercholesterolemia, autosomal dominant, type B. Last evaluated: 2025-07-30. Review status: criteria provided, single submitter. Criteria: Invitae Variant Classification Sherloc (09022015). Collection method: clinical testing. Allele origin: germline.
Comment: This sequence change replaces lysine, which is basic and polar, with asparagine, which is neutral and polar, at codon 454 of the APOB protein (p.Lys454Asn). This variant is not present in population databases (gnomAD no frequency). This variant has not been reported in the literature in individuals affected with APOB-related conditions. Invitae Evidence Modeling of protein sequence and biophysical properties (such as structural, functional, and spatial information, amino acid conservation, physicochemical variation, residue mobility, and thermodynamic stability) indicates that this missense variant is not expected to disrupt APOB protein function with a negative predictive value of 95%. In summary, the available evidence is currently insufficient to determine the role of this variant in disease. Therefore, it has been classified as a Variant of Uncertain Significance.

NM_000384.3(APOB):c.1362G>C (p.Lys454Asn)

Gene: APOB (apolipoprotein B; minus strand). Cytogenetic location: 2p24.1.
Variant type: single nucleotide variant.
Coding change: c.1362G>C on transcript NM_000384.3 (MANE Select); coding-DNA position 1362, G replaced by C.
Protein change: p.Lys454Asn; replaces lysine 454 with asparagine.
Molecular consequence: missense variant.
Genome position (GRCh38, 1-based): chr2:21,030,006, C>G on the plus strand (G>C on the coding strand, the complement: APOB is on the minus strand). VCF-style: chr2-21030006-C-G. GRCh37 (hg19) VCF-style: chr2-21252878-C-G.
Other names: short protein forms K454N.
Identifiers: ClinVar variation 4791898 (VCV004791898.1).